The following is an entry in ClinVar:

ClinVar aggregate classification (germline): Uncertain significance (1 of 4 stars; one submission).

Allele frequency attached by ClinVar (database versions not stated): gnomAD exomes below 0.00001; gnomAD 0.00003; TOPMed 0.00008.
gnomAD v4.1: 7 of 1,603,016 alleles (0.00044%); highest among the groups gnomAD compares: Admixed American, 0.0083%; no homozygotes.

Submission:

Labcorp Genetics (formerly Invitae), Labcorp
Classification: Uncertain significance. Last evaluated: 2025-11-06. Review status: criteria provided, single submitter. Criteria: Invitae Variant Classification Sherloc (09022015). Collection method: clinical testing. Allele origin: germline.
Comment: This sequence change falls in intron 2 of the HMCN1 gene. It does not directly change the encoded amino acid sequence of the HMCN1 protein. It affects a nucleotide within the consensus splice site. This variant is not present in population databases (gnomAD no frequency). This variant has not been reported in the literature in individuals affected with HMCN1-related conditions. ClinVar contains an entry for this variant (Variation ID: 2054111). Variants that disrupt the consensus splice site are a relatively common cause of aberrant splicing (PMID: 17576681, 9536098). Algorithms developed to predict the effect of sequence changes on RNA splicing suggest that this variant is not likely to affect RNA splicing. In summary, the available evidence is currently insufficient to determine the role of this variant in disease. Therefore, it has been classified as a Variant of Uncertain Significance.

Literature cited by the submitters: PubMed 17576681; PubMed 9536098.

NM_031935.3(HMCN1):c.339+3G>A

Gene: HMCN1 (hemicentin 1; plus strand). Cytogenetic location: 1q31.1.
Variant type: single nucleotide variant.
Coding change: c.339+3G>A on transcript NM_031935.3 (MANE Select); 3 bases into the intron after coding-DNA position 339, G replaced by A.
Molecular consequence: intron variant.
Genome position (GRCh38, 1-based): chr1:185,846,099, G>A. VCF-style: chr1-185846099-G-A. GRCh37 (hg19) VCF-style: chr1-185815231-G-A.
Identifiers: ClinVar variation 2054111 (VCV002054111.4), dbSNP rs1008497796, ClinGen allele CA34032721.